The following is an entry in ClinVar:

NM_022168.4(IFIH1):c.1765+33T>A

Gene: IFIH1 (interferon induced with helicase C domain 1; minus strand). Cytogenetic location: 2q24.2.
Variant type: single nucleotide variant.
Coding change: c.1765+33T>A on transcript NM_022168.4 (MANE Select); 33 bases into the intron after coding-DNA position 1765, T replaced by A.
Molecular consequence: intron variant.
Genome position (GRCh38, 1-based): chr2:162,278,172, A>T on the plus strand (T>A on the coding strand, the complement: IFIH1 is on the minus strand). VCF-style: chr2-162278172-A-T. GRCh37 (hg19) VCF-style: chr2-163134682-A-T.
Identifiers: ClinVar variation 1251202 (VCV001251202.5), dbSNP rs4664053, ClinGen allele CA1934412.

ClinVar aggregate classification (germline): Benign. Review status: criteria provided, multiple submitters, no conflicts (2 of 4 stars). 3 submissions from 3 submitters: Benign (3). Last evaluated 2023-11-12.

Allele frequency attached by ClinVar (database versions not stated): TOPMed 0.04712; ESP Exome Variant Server 0.01069; 1000 Genomes Project 30x 0.04560; 1000 Genomes Project 0.04233.
gnomAD v4.1: 30,114 of 1,575,632 alleles (1.9%); highest among the groups gnomAD compares: Admixed American, 27%; 2,424 homozygotes.

Submissions (3):

Unidad de Genómica Garrahan, Hospital de Pediatría Garrahan
Classification: Benign. Last evaluated: 2023-11-12. Review status: criteria provided, single submitter. Criteria: ACMG Guidelines, 2015. Collection method: clinical testing. Allele origin: germline. Affected: no. Observed: 43 variant alleles.
Comment: This variant is classified as Benign based on local population frequency. This variant was detected in 45% of patients studied by a panel of primary immunodeficiencies. Number of patients: 43. Only high quality variants are reported.

GeneDx
Classification: Benign. Last evaluated: 2021-04-03. Review status: criteria provided, single submitter. Criteria: GeneDx Variant Classification Process June 2021. Collection method: clinical testing. Allele origin: germline. Affected: yes.

Breakthrough Genomics
Classification: Benign. Review status: criteria provided, single submitter. Criteria: ACMG Guidelines, 2015. Collection method: not provided. Allele origin: germline. Inheritance: Autosomal recessive inheritance. Affected: yes.